The following is an entry in ClinVar:

ClinVar aggregate classification (germline): Uncertain significance. Review status: criteria provided, multiple submitters, no conflicts (2 of 4 stars). 2 submissions from 2 submitters: Uncertain significance (2). Last evaluated 2025-12-03.

Conditions:
Early-onset Parkinson disease 20. Also called: PARKINSON DISEASE 20, AUTOSOMAL RECESSIVE EARLY-ONSET. Identifiers: Orphanet 391411, MedGen C3809824, MONDO:0014233, OMIM 615530.
Developmental and epileptic encephalopathy, 53. Also called: Epileptic encephalopathy, early infantile, 53. Identifiers: MedGen C4479313, MONDO:0033362, OMIM 617389.

Allele frequency attached by ClinVar (database versions not stated): ExAC 0.00001; gnomAD 0.00002; TOPMed 0.00002.
gnomAD v4.1: 27 of 1,613,734 alleles (0.0017%); highest among the groups gnomAD compares: Non-Finnish European, 0.0015%; no homozygotes.

Submissions (2):

GeneDx
Classification: Uncertain significance. Last evaluated: 2025-12-03. Review status: criteria provided, single submitter. Criteria: GeneDx Variant Classification Process June 2021. Collection method: clinical testing. Allele origin: germline. Affected: yes.
Comment: In silico analysis suggests that this missense variant does not alter protein structure/function; Has not been previously published as pathogenic or benign to our knowledge

Labcorp Genetics (formerly Invitae), Labcorp
Classification: Uncertain significance for Developmental and epileptic encephalopathy, 53; Early-onset Parkinson disease 20. Last evaluated: 2021-08-30. Review status: criteria provided, single submitter. Criteria: Invitae Variant Classification Sherloc (09022015). Collection method: clinical testing. Allele origin: germline.
Comment: This sequence change replaces isoleucine with valine at codon 475 of the SYNJ1 protein (p.Ile475Val). The isoleucine residue is moderately conserved and there is a small physicochemical difference between isoleucine and valine. This variant is present in population databases (rs763870801, ExAC 0.001%). This variant has not been reported in the literature in individuals affected with SYNJ1-related conditions. Algorithms developed to predict the effect of missense changes on protein structure and function (SIFT, PolyPhen-2, Align-GVGD) all suggest that this variant is likely to be tolerated. Algorithms developed to predict the effect of sequence changes on RNA splicing suggest that this variant may create or strengthen a splice site. In summary, the available evidence is currently insufficient to determine the role of this variant in disease. Therefore, it has been classified as a Variant of Uncertain Significance.

NM_203446.3(SYNJ1):c.1306A>G (p.Ile436Val)

Gene: SYNJ1 (synaptojanin 1; minus strand). Cytogenetic location: 21q22.11.
Variant type: single nucleotide variant.
Coding change: c.1306A>G on transcript NM_203446.3 (MANE Select); coding-DNA position 1306, A replaced by G.
Protein change: p.Ile436Val; replaces isoleucine 436 with valine.
Molecular consequence: missense variant.
Genome position (GRCh38, 1-based): chr21:32,681,543, T>C on the plus strand (A>G on the coding strand, the complement: SYNJ1 is on the minus strand). VCF-style: chr21-32681543-T-C. GRCh37 (hg19) VCF-style: chr21-34053853-T-C.
Other names: c.1306A>G, p.Ile436Val (NM_001160302.2, NM_001160306.2); c.1423A>G, p.Ile475Val (NM_003895.4); short protein forms I475V, I436V.
Identifiers: ClinVar variation 544557 (VCV000544557.10), dbSNP rs763870801, ClinGen allele CA10003924.
Genomic context (GRCh38, chr21:32,681,543, plus strand): 5'-GATCTAGATATACCTTCGCTTTCCCTTCAAGAGCTCCAGTTCCTGCATATATCTTACTGA[T>C]TGAATCACCATTCACGGACCACATTGACCGAAAAACTTCTTGAAAGCGAGTCACCAACTG-3'
Protein context (NP_982271.3, residues 426-446): RSMWSVNGDS[Ile436Val]SKIYAGTGAL